The following is an entry in ClinVar:

ClinVar aggregate classification (germline): Conflicting classifications of pathogenicity. Review status: criteria provided, conflicting classifications (1 of 4 stars). 8 submissions from 8 submitters: Pathogenic (3); Likely pathogenic (1); Uncertain significance (1). 3 of the submissions do not count toward it. Last evaluated 2025-12-17.

Conditions:
Lung damage, immunodeficiency and chromosome breakage syndrome.
Lung disease, immunodeficiency, and chromosome breakage syndrome;. Also called: Lung disease, immunodeficiency, and chromosome breakage syndrome. Identifiers: MedGen C4310653, MONDO:0014984, OMIM 617241.

Allele frequency attached by ClinVar (database versions not stated): ExAC 0.00002; TOPMed 0.00004; gnomAD 0.00005; gnomAD exomes 0.00008 and 0.00011; 1000 Genomes Project 30x 0.00016; 1000 Genomes Project 0.00020.
gnomAD v4.1: 159 of 1,614,116 alleles (0.0099%); highest among the groups gnomAD compares: Non-Finnish European, 0.013%; no homozygotes.

Submissions (8):

Labcorp Genetics (formerly Invitae), Labcorp
Classification: Pathogenic. Last evaluated: 2025-12-17. Review status: criteria provided, single submitter. Criteria: Invitae Variant Classification Sherloc (09022015). Collection method: clinical testing. Allele origin: germline.
Comment: This sequence change replaces leucine, which is neutral and non-polar, with phenylalanine, which is neutral and non-polar, at codon 264 of the NSMCE3 protein (p.Leu264Phe). This variant is present in population databases (rs199905054, gnomAD 0.02%). This missense change has been observed in individuals with NSMCE3 deficiency (PMID: 27427983). It has also been observed to segregate with disease in related individuals. ClinVar contains an entry for this variant (Variation ID: 267795). Invitae Evidence Modeling of protein sequence and biophysical properties (such as structural, functional, and spatial information, amino acid conservation, physicochemical variation, residue mobility, and thermodynamic stability) indicates that this missense variant is expected to disrupt NSMCE3 protein function with a positive predictive value of 80%. Experimental studies have shown that this missense change affects NSMCE3 function (PMID: 27427983). For these reasons, this variant has been classified as Pathogenic.

Blueprint Genetics
Classification: Uncertain significance. Last evaluated: 2024-10-21. Review status: criteria provided, single submitter. Criteria: ACMG Guidelines, 2015. Collection method: clinical testing. Allele origin: germline.

Fulgent Genetics
Classification: Likely pathogenic for Lung disease, immunodeficiency, and chromosome breakage syndrome;. Last evaluated: 2024-04-17. Review status: criteria provided, single submitter. Criteria: ACMG Guidelines, 2015. Collection method: clinical testing. Allele origin: germline.

Women's Health and Genetics/Laboratory Corporation of America, LabCorp
Classification: Pathogenic for Lung disease, immunodeficiency, and chromosome breakage syndrome;. Last evaluated: 2024-04-11. Review status: criteria provided, single submitter. Criteria: LabCorp Variant Classification Summary - May 2015. Collection method: clinical testing. Allele origin: germline.
Comment: Variant summary: NSMCE3 c.790C>T (p.Leu264Phe) results in a non-conservative amino acid change located in the MAGE homology domain (IPR002190) of the encoded protein sequence. Three of five in-silico tools predict a damaging effect of the variant on protein function. c.790C>T has been reported in the literature in multiple individuals affected with Lung Disease, Immunodeficiency, And Chromosome Breakage Syndrome (van der Crabben_2016, Willemse_2021). These data indicate that the variant is very likely to be associated with disease. To our knowledge, no experimental evidence demonstrating an impact on protein function has been reported. The following publications have been ascertained in the context of this evaluation (PMID: 33741030, 27427983). ClinVar contains an entry for this variant (Variation ID: 267795). Based on the evidence outlined above, the variant was classified as pathogenic.

Sharon E. Plon Laboratory, Baylor College of Medicine
Classification: Pathogenic for Lung damage, immunodeficiency and chromosome breakage syndrome. Last evaluated: 2016-03-17. Review status: criteria provided, single submitter. Criteria: van der Crabben et al. (J Clin Invest. 2016). Collection method: research, in vitro, in vivo. Allele origin: inherited, unknown, not applicable. Inheritance: Autosomal recessive inheritance. Affected: yes and no. Observed: 4 heterozygotes, 2 compound heterozygotes, 2 homozygotes. Segregation with disease observed.
Comment: Four siblings from two unrelated kindreds died during infancy with markedly similar medical problems including severe pulmonary disease following viral pneumonia with evidence of combined T- and B-cell immunodeficiency. Chromosomal testing showed signs of increased aneuploidy/breakage. Cells from the subjects had increased sensitivity to DNA damage. One sib pair harbored rare (p.Leu264Phe) and novel (p.Pro209Leu) compound heterozygous missense variants in NSMCE3, while the other sib pair was homozygous for the p.Leu264Phe variant in NSMCE3.

The researchers Drs. Sharon Plon and Giis van Haaften were connected through Genematcher, a service that enables contact between clinicians & researchers working on genes.

OMIM
Classification: Pathogenic for LUNG DISEASE, IMMUNODEFICIENCY, AND CHROMOSOME BREAKAGE SYNDROME. Last evaluated: 2016-12-19. Review status: no assertion criteria provided. Collection method: literature only. Allele origin: germline. Not counted in ClinVar's aggregate classification.

Diagnostic Laboratory, Department of Genetics, University Medical Center Groningen
Classification: Pathogenic. Review status: no assertion criteria provided. Collection method: clinical testing. Allele origin: germline. Affected: yes. Study: VKGL Data-share Consensus. Not counted in ClinVar's aggregate classification.

Genome Diagnostics Laboratory, University Medical Center Utrecht
Classification: Pathogenic. Review status: no assertion criteria provided. Collection method: clinical testing. Allele origin: germline. Affected: yes. Study: VKGL Data-share Consensus. Not counted in ClinVar's aggregate classification.

Literature cited by the submitters: PubMed 27427983 (cited by 3 submitters); PubMed 33741030 (cited by Women's Health and Genetics/Laboratory Corporation of America, LabCorp); PubMed 20864041 (cited by Sharon E. Plon Laboratory, Baylor College of Medicine).

NM_138704.4(NSMCE3):c.790C>T (p.Leu264Phe)

Genes: ENTREP2 (endosomal transmembrane epsin interactor 2; minus strand), NSMCE3 (NSE3 component of SMC5/6 complex; minus strand). Cytogenetic location: 15q13.1.
Variant type: single nucleotide variant.
Coding change: c.790C>T on transcript NM_138704.4 (MANE Select); coding-DNA position 790, C replaced by T.
Protein change: p.Leu264Phe; replaces leucine 264 with phenylalanine.
Molecular consequence: missense variant. On other transcripts: intron variant (5).
Genome position (GRCh38, 1-based): chr15:29,268,916, G>A on the plus strand (C>T on the coding strand, the complement: NSMCE3 is on the minus strand). VCF-style: chr15-29268916-G-A. GRCh37 (hg19) VCF-style: chr15-29561120-G-A.
Other names: NSMCE3, LEU264PHE (rs199905054); c.-12-16438C>T (NM_001387217.1, NM_001387215.1, NM_001387216.1); c.277-16438C>T (NM_001387214.1, NM_015307.2); short protein forms L264F.
Identifiers: ClinVar variation 267795 (VCV000267795.17), dbSNP rs199905054, ClinGen allele CA7446059.